The following is an entry in ClinVar:

ClinVar aggregate classification (germline): Uncertain significance. Review status: criteria provided, multiple submitters, no conflicts (2 of 4 stars). 2 submissions from 2 submitters: Uncertain significance (2). Last evaluated 2026-03-03.

Conditions:
Hereditary cancer-predisposing syndrome. Also called: Tumor predisposition; Hereditary Cancer Syndrome; Hereditary neoplastic syndrome; Neoplastic Syndromes, Hereditary. Identifiers: Orphanet 140162, MedGen C0027672, MeSH D009386, MONDO:0015356.

Allele frequency attached by ClinVar (database versions not stated): gnomAD exomes below 0.00001.
gnomAD v4.1: 1 of 1,614,074 alleles (0.000062%); highest among the groups gnomAD compares: Non-Finnish European, 0.000085%; no homozygotes.

Submissions (2):

Ambry Genetics
Classification: Uncertain significance for Hereditary cancer-predisposing syndrome. Last evaluated: 2026-03-03. Review status: criteria provided, single submitter. Criteria: Ambry Variant Classification Scheme 2023. Collection method: clinical testing. Allele origin: germline.
Comment: The p.G58D variant (also known as c.173G>A), located in coding exon 2 of the FH gene, results from a G to A substitution at nucleotide position 173. The glycine at codon 58 is replaced by aspartic acid, an amino acid with similar properties. This amino acid position is highly conserved in available vertebrate species. In addition, this alteration is predicted to be deleterious by in silico analysis. Based on the available evidence, the clinical significance of this variant remains unclear.

Labcorp Genetics (formerly Invitae), Labcorp
Classification: Uncertain significance. Last evaluated: 2024-02-17. Review status: criteria provided, single submitter. Criteria: Invitae Variant Classification Sherloc (09022015). Collection method: clinical testing. Allele origin: germline.
Comment: This sequence change replaces glycine, which is neutral and non-polar, with aspartic acid, which is acidic and polar, at codon 58 of the FH protein (p.Gly58Asp). This variant is not present in population databases (gnomAD no frequency). This variant has not been reported in the literature in individuals affected with FH-related conditions. ClinVar contains an entry for this variant (Variation ID: 1779172). Advanced modeling of protein sequence and biophysical properties (such as structural, functional, and spatial information, amino acid conservation, physicochemical variation, residue mobility, and thermodynamic stability) performed at Invitae indicates that this missense variant is expected to disrupt FH protein function with a positive predictive value of 95%. In summary, the available evidence is currently insufficient to determine the role of this variant in disease. Therefore, it has been classified as a Variant of Uncertain Significance.

NM_000143.4(FH):c.173G>A (p.Gly58Asp)

Gene: FH (fumarate hydratase; minus strand). Cytogenetic location: 1q43.
Variant type: single nucleotide variant.
Coding change: c.173G>A on transcript NM_000143.4 (MANE Select); coding-DNA position 173, G replaced by A.
Protein change: p.Gly58Asp; replaces glycine 58 with aspartic acid.
Molecular consequence: missense variant.
Genome position (GRCh38, 1-based): chr1:241,517,276, C>T on the plus strand (G>A on the coding strand, the complement: FH is on the minus strand). VCF-style: chr1-241517276-C-T. GRCh37 (hg19) VCF-style: chr1-241680576-C-T.
Other names: short protein forms G58D.
Identifiers: ClinVar variation 1779172 (VCV001779172.5), dbSNP rs2527340376, ClinGen allele CA345441935.